The following is an entry in ClinVar:

ClinVar aggregate classification (germline): Uncertain significance (1 of 4 stars; one submission).

Allele frequency attached by ClinVar (database versions not stated): gnomAD exomes below 0.00001 and 0.00001; ExAC 0.00001.
gnomAD v4.1: 6 of 1,611,658 alleles (0.00037%); highest among the groups gnomAD compares: East Asian, 0.0022%; no homozygotes.

Submission:

Labcorp Genetics (formerly Invitae), Labcorp
Classification: Uncertain significance. Last evaluated: 2022-02-09. Review status: criteria provided, single submitter. Criteria: Invitae Variant Classification Sherloc (09022015). Collection method: clinical testing. Allele origin: germline.
Comment: In summary, the available evidence is currently insufficient to determine the role of this variant in disease. Therefore, it has been classified as a Variant of Uncertain Significance. Algorithms developed to predict the effect of missense changes on protein structure and function are either unavailable or do not agree on the potential impact of this missense change (SIFT: "Not Available"; PolyPhen-2: "Probably Damaging"; Align-GVGD: "Not Available"). This variant has not been reported in the literature in individuals affected with SLC9A3-related conditions. This variant is present in population databases (rs750660212, gnomAD 0.006%). This sequence change replaces arginine with cysteine at codon 553 of the SLC9A3 protein (p.Arg553Cys). The arginine residue is highly conserved and there is a large physicochemical difference between arginine and cysteine.

NM_004174.4(SLC9A3):c.1657C>T (p.Arg553Cys)

Genes: SLC9A3 (solute carrier family 9 member A3), SLC9A3-AS1 (SLC9A3 antisense RNA 1; plus strand). Cytogenetic location: 5p15.33.
Variant type: single nucleotide variant.
Coding change: c.1657C>T on transcript NM_004174.4 (MANE Select); coding-DNA position 1657, C replaced by T.
Protein change: p.Arg553Cys; replaces arginine 553 with cysteine.
Molecular consequence: missense variant.
Genome position (GRCh38, 1-based): chr5:477,435, G>A on the plus strand (C>T on the coding strand, the complement: SLC9A3 is on the minus strand). VCF-style: chr5-477435-G-A. GRCh37 (hg19) VCF-style: chr5-477550-G-A.
Other names: c.1630C>T, p.Arg544Cys (NM_001284351.3); short protein forms R544C, R553C.
Identifiers: ClinVar variation 1387231 (VCV001387231.6), dbSNP rs750660212, ClinGen allele CA3175776.